The following is an entry in ClinVar:

ClinVar aggregate classification (germline): Uncertain significance (1 of 4 stars; one submission).

Conditions:
Intellectual developmental disorder, autosomal dominant 50, with behavioral abnormalities. Also called: Intellectual disability, autosomal dominant 50; MENTAL RETARDATION, AUTOSOMAL DOMINANT 50. Identifiers: MedGen C4540470, MONDO:0030916, OMIM 617787.

Allele frequency attached by ClinVar (database versions not stated): TOPMed below 0.00001; gnomAD exomes 0.00002 and below 0.00001; gnomAD 0.00001.
gnomAD v4.1: 29 of 1,607,960 alleles (0.0018%); highest among the groups gnomAD compares: Admixed American, 0.0051%; no homozygotes.

Submission:

Molecular Genetics, Royal Melbourne Hospital
Classification: Uncertain significance for Intellectual developmental disorder, autosomal dominant 50, with behavioral abnormalities. Last evaluated: 2022-04-22. Review status: criteria provided, single submitter. Criteria: ACMG Guidelines, 2015. Collection method: clinical testing. Allele origin: germline.
Comment: This sequence change is predicted to replace lysine with arginine at codon 506 of the NAA15 protein, p.(Lys506Arg). The lysine residue is evolutionarily conserved (100 vertebrates, UCSC), and is located in tetratricopeptide repeat 7 (TRP7). There is a small physicochemical difference between lysine and arginine. The variant is present in a single healthy control individual in a large population cohort (1/244,654 alleles in gnomAD v2.1), and has not been reported in the relevant medical literature and databases. Multiple lines of computational evidence predict a deleterious effect for the missense substitution (5/6 algorithms). Based on the classification scheme RMH Modified ACMG Guidelines v1.3.1, this variant is classified as a VARIANT OF UNCERTAIN SIGNIFICANCE. Following criteria are met: PP3.

NM_057175.5(NAA15):c.1517A>G (p.Lys506Arg)

Gene: NAA15 (N-alpha-acetyltransferase 15, NatA auxiliary subunit; plus strand). Cytogenetic location: 4q31.1.
Variant type: single nucleotide variant.
Coding change: c.1517A>G on transcript NM_057175.5 (MANE Select); coding-DNA position 1517, A replaced by G.
Protein change: p.Lys506Arg; replaces lysine 506 with arginine.
Molecular consequence: missense variant.
Genome position (GRCh38, 1-based): chr4:139,360,606, A>G. VCF-style: chr4-139360606-A-G. GRCh37 (hg19) VCF-style: chr4-140281760-A-G.
Other names: short protein forms K506R.
Identifiers: ClinVar variation 1678558 (VCV001678558.2), dbSNP rs994717258, ClinGen allele CA106671196.
Genomic context (GRCh38, chr4:139,360,606, plus strand): 5'-GGTTCCAAACAGAATGTGCCCAGGCTTATAAAGCAATGAATAAATTTGGTGAAGCACTTA[A>G]GAAATGTCATGAGATTGAGAGAGTAAGTACCTTCTACATAAAAGTTTTCTTGTTTTATTC-3'
Protein context (NP_476516.1, residues 496-516): KAMNKFGEAL[Lys506Arg]KCHEIERHFI